The following is an entry in ClinVar:

ClinVar aggregate classification (germline): Uncertain significance (1 of 4 stars; one submission).

Submission:

Labcorp Genetics (formerly Invitae), Labcorp
Classification: Uncertain significance. Last evaluated: 2022-05-25. Review status: criteria provided, single submitter. Criteria: Invitae Variant Classification Sherloc (09022015). Collection method: clinical testing. Allele origin: germline.
Comment: This sequence change replaces lysine, which is basic and polar, with glutamic acid, which is acidic and polar, at codon 351 of the NEXMIF protein (p.Lys351Glu). This variant is not present in population databases (gnomAD no frequency). This variant has not been reported in the literature in individuals affected with NEXMIF-related conditions. Algorithms developed to predict the effect of missense changes on protein structure and function are either unavailable or do not agree on the potential impact of this missense change (SIFT: "Deleterious"; PolyPhen-2: "Possibly Damaging"; Align-GVGD: "Class C15"). In summary, the available evidence is currently insufficient to determine the role of this variant in disease. Therefore, it has been classified as a Variant of Uncertain Significance.

NM_001008537.3(NEXMIF):c.1051A>G (p.Lys351Glu)

Gene: NEXMIF (neurite extension and migration factor; minus strand). Cytogenetic location: Xq13.3.
Variant type: single nucleotide variant.
Coding change: c.1051A>G on transcript NM_001008537.3 (MANE Select); coding-DNA position 1051, A replaced by G.
Protein change: p.Lys351Glu; replaces lysine 351 with glutamic acid.
Molecular consequence: missense variant.
Genome position (GRCh38, 1-based): chrX:74,743,506, T>C on the plus strand (A>G on the coding strand, the complement: NEXMIF is on the minus strand). VCF-style: chrX-74743506-T-C. GRCh37 (hg19) VCF-style: chrX-73963341-T-C.
Other names: short protein forms K351E.
Identifiers: ClinVar variation 1998604 (VCV001998604.4), dbSNP rs2519915896, ClinGen allele CA413671671.
Genomic context (GRCh38, chrX:74,743,506, plus strand): 5'-TGCTCACATCAGGGACCTTGAATTGGGAAAAATCACTGCTCTGCTTCAGGGCCCCACTCT[T>C]AGACTCTCGCTTGGGGCAGGTAGTAAAGACGCTGGGAAAAAAGTTGAATTGGGCATCTTC-3'
Protein context (NP_001008537.1, residues 341-361): VFTTCPKRES[Lys351Glu]SGALKQSSDF